The following is an entry in ClinVar:

NM_001160372.4(TRAPPC9):c.136G>A (p.Val46Met)

Gene: TRAPPC9 (trafficking protein particle complex subunit 9; minus strand). Cytogenetic location: 8q24.3.
Variant type: single nucleotide variant.
Coding change: c.136G>A on transcript NM_001160372.4 (MANE Select); coding-DNA position 136, G replaced by A.
Protein change: p.Val46Met; replaces valine 46 with methionine.
Molecular consequence: missense variant. On other transcripts: non-coding transcript variant (1).
Genome position (GRCh38, 1-based): chr8:140,451,238, C>T on the plus strand (G>A on the coding strand, the complement: TRAPPC9 is on the minus strand). VCF-style: chr8-140451238-C-T. GRCh37 (hg19) VCF-style: chr8-141461337-C-T.
Other names: c.136G>A, p.Val46Met (NM_001321646.2, NM_001374682.1, NM_001374683.1 and 2 more transcripts); short protein forms V46M.
Identifiers: ClinVar variation 588373 (VCV000588373.18), dbSNP rs201233141, ClinGen allele CA4893792.
Genomic context (GRCh38, chr8:140,451,238, plus strand): 5'-TGTTCTCGGGTGGGTAGTGGTGCCTGTAGCGGATGTAGAGGACTCGCTGGGAGTCCCGCA[C>T]GCTGATCTGACTCACAGAGCAAATCCTCTTATAGATCCTGAAGAAGTTCTCCTCGGAGAC-3'
Protein context (NP_001153844.1, residues 36-56): KRICSVSQIS[Val46Met]RDSQRVLYIR

ClinVar aggregate classification (germline): Conflicting classifications of pathogenicity. Review status: criteria provided, conflicting classifications (1 of 4 stars). 5 submissions from 5 submitters: Uncertain significance (4); Likely benign (1). Last evaluated 2025-11-24.

Conditions:
Intellectual developmental disorder, autosomal recessive 13. Also called: Intellectual disability, autosomal recessive 13. Identifiers: Orphanet 88616, MedGen C2750791, MONDO:0013173, OMIM 613192.
Inborn genetic diseases. Identifiers: MedGen C0950123, MeSH D030342.

Allele frequency attached by ClinVar (database versions not stated): ExAC 0.00002; gnomAD exomes 0.00009 and 0.00007; gnomAD 0.00009; 1000 Genomes Project 30x 0.00031; 1000 Genomes Project 0.00040; TOPMed 0.00011; ESP Exome Variant Server 0.00015.
gnomAD v4.1: 149 of 1,613,886 alleles (0.0092%); highest among the groups gnomAD compares: Middle Eastern, 0.033%; no homozygotes.

Submissions (5):

Ambry Genetics
Classification: Likely benign for Inborn genetic diseases. Last evaluated: 2025-11-24. Review status: criteria provided, single submitter. Criteria: Ambry Variant Classification Scheme 2023. Collection method: clinical testing. Allele origin: germline.

Labcorp Genetics (formerly Invitae), Labcorp
Classification: Uncertain significance. Last evaluated: 2025-04-14. Review status: criteria provided, single submitter. Criteria: Invitae Variant Classification Sherloc (09022015). Collection method: clinical testing. Allele origin: germline.
Comment: This sequence change replaces valine, which is neutral and non-polar, with methionine, which is neutral and non-polar, at codon 144 of the TRAPPC9 protein (p.Val144Met). This variant is present in population databases (rs201233141, gnomAD 0.01%). This variant has not been reported in the literature in individuals affected with TRAPPC9-related conditions. ClinVar contains an entry for this variant (Variation ID: 588373). An algorithm developed to predict the effect of missense changes on protein structure and function outputs the following: PolyPhen-2: "Probably Damaging". The methionine amino acid residue is found in multiple mammalian species, which suggests that this missense change does not adversely affect protein function. In summary, the available evidence is currently insufficient to determine the role of this variant in disease. Therefore, it has been classified as a Variant of Uncertain Significance.

Fulgent Genetics
Classification: Uncertain significance for Intellectual developmental disorder, autosomal recessive 13. Last evaluated: 2022-05-18. Review status: criteria provided, single submitter. Criteria: ACMG Guidelines, 2015. Collection method: clinical testing. Allele origin: unknown.

Eurofins Ntd Llc (ga)
Classification: Uncertain significance. Last evaluated: 2018-02-15. Review status: criteria provided, single submitter. Criteria: EGL ClinVar v180209 classification definitions. Collection method: clinical testing. Allele origin: germline. Observed: 3 variant alleles, 3 heterozygotes.

Breakthrough Genomics
Classification: Uncertain significance. Review status: criteria provided, single submitter. Criteria: ACMG Guidelines, 2015. Collection method: not provided. Allele origin: germline. Inheritance: Autosomal recessive inheritance. Affected: yes.